The following is an entry in ClinVar:

NM_173495.3(PTCHD1):c.2401_2402del (p.Ser801fs)

Gene: PTCHD1 (patched domain containing 1; plus strand). Cytogenetic location: Xp22.11.
Variant type: Microsatellite.
Coding change: c.2401_2402del on transcript NM_173495.3 (MANE Select); coding-DNA positions 2401 to 2402, 2 bases deleted (AG; older notation c.2401_2402delAG).
Protein change: p.Ser801fs; shifts the reading frame from serine 801.
Molecular consequence: frameshift variant.
Genome position (GRCh38, 1-based): chrX:23,393,919-23,393,920, AG deleted; deleting any 2 consecutive bases within chrX:23,393,917-23,393,920 gives the same sequence; the c. name uses the placement nearest the transcript's 3' end. VCF-style (leftmost placement, unchanged base first): chrX-23393916-CAG-C. GRCh37 (hg19) VCF-style: chrX-23412033-CAG-C.
Other names: c.2401_2402del (NM_173495.2); c.2399_2400AG[1], p.Ser801Leufs (NM_173495.2); c.2401_2402delAG (NM_173495.3); short protein forms S801fs.
Identifiers: ClinVar variation 3343889 (VCV003343889.2).

ClinVar aggregate classification (germline): Conflicting classifications of pathogenicity. Review status: criteria provided, conflicting classifications (1 of 4 stars). 2 submissions from 2 submitters: Likely pathogenic (1); Uncertain significance (1). Last evaluated 2025-09-18.

Submissions (2):

Women's Health and Genetics/Laboratory Corporation of America, LabCorp
Classification: Uncertain significance. Last evaluated: 2025-09-18. Review status: criteria provided, single submitter. Criteria: LabCorp Variant Classification Summary - May 2015. Collection method: clinical testing. Allele origin: germline.
Comment: Variant summary: PTCHD1 c.2401_2402delAG (p.Ser801LeufsX52) results in a premature termination codon, predicted to cause a truncation of the encoded protein, removing/altering the C-terminal part of the 888 amino acids long protein. The variant was absent in 182966 control chromosomes (gnomAD). The available data on variant occurrences in the general population are insufficient to allow any conclusion about variant significance. To our knowledge, no occurrence of c.2401_2402delAG in individuals affected with PTCHD1-related conditions and no experimental evidence demonstrating its impact on protein function have been reported. ClinVar contains an entry for this variant (Variation ID: 3343889). Based on the evidence outlined above, the variant was classified as uncertain significance.

GeneDx
Classification: Likely pathogenic. Last evaluated: 2023-12-19. Review status: criteria provided, single submitter. Criteria: GeneDx Variant Classification Process June 2021. Collection method: clinical testing. Allele origin: germline. Affected: yes.
Comment: Frameshift variant predicted to result in protein truncation, as the last 88 amino acids are replaced with 51 different amino acids, and other loss-of-function variants have been reported downstream at GeneDx; Not observed at significant frequency in large population cohorts (gnomAD); Has not been previously published as pathogenic or benign to our knowledge